The following is an entry in ClinVar:

ClinVar aggregate classification (germline): Uncertain significance. Review status: criteria provided, multiple submitters, no conflicts (2 of 4 stars). 2 submissions from 2 submitters: Uncertain significance (2). Last evaluated 2025-08-16.

Conditions:
Nemaline myopathy 6 (NEM6). Also called: Nemaline myopathy 6, autosomal dominant. Identifiers: Orphanet 171439, MedGen C1836472, MONDO:0012237, OMIM 609273.

Submissions (2):

Labcorp Genetics (formerly Invitae), Labcorp
Classification: Uncertain significance for Nemaline myopathy 6. Last evaluated: 2025-08-16. Review status: criteria provided, single submitter. Criteria: Invitae Variant Classification Sherloc (09022015). Collection method: clinical testing. Allele origin: germline.
Comment: This sequence change creates a premature translational stop signal (p.Ser155Cysfs*9) in the KBTBD13 gene. While this is not anticipated to result in nonsense mediated decay, it is expected to disrupt the last 304 amino acid(s) of the KBTBD13 protein. This variant is not present in population databases (gnomAD no frequency). This variant has not been reported in the literature in individuals affected with KBTBD13-related conditions. ClinVar contains an entry for this variant (Variation ID: 3719038). Experimental studies and prediction algorithms are not available or were not evaluated, and the functional significance of this variant is currently unknown. In summary, the available evidence is currently insufficient to determine the role of this variant in disease. Therefore, it has been classified as a Variant of Uncertain Significance.

Women's Health and Genetics/Laboratory Corporation of America, LabCorp
Classification: Uncertain significance. Last evaluated: 2024-12-03. Review status: criteria provided, single submitter. Criteria: LabCorp Variant Classification Summary - May 2015. Collection method: clinical testing. Allele origin: germline.
Comment: Variant summary: KBTBD13 c.455_462dupTGCGGCCC (p.Ser155CysfsX9) results in a premature termination codon, predicted to cause a truncation of the encoded protein or absence of the protein due to nonsense mediated decay, however current evidence is not sufficient to establish loss of function as a mechanism for disease. The variant was absent in 31234 control chromosomes (gnomAD). The available data on variant occurrences in the general population are insufficient to allow any conclusion about variant significance. To our knowledge, no occurrence of c.455_462dupTGCGGCCC in individuals affected with Nemaline Myopathy 6 and no experimental evidence demonstrating its impact on protein function have been reported. No submitters have cited clinical-significance assessments for this variant to ClinVar. Based on the evidence outlined above, the variant was classified as uncertain significance.

NM_001101362.3(KBTBD13):c.455_462dup (p.Ser155fs)

Gene: KBTBD13 (kelch repeat and BTB domain containing 13; plus strand). Cytogenetic location: 15q22.31.
Variant type: Duplication.
Coding change: c.455_462dup on transcript NM_001101362.3 (MANE Select); coding-DNA positions 455 to 462, 8 bases duplicated (TGCGGCCC; older notation c.455_462dupTGCGGCCC).
Protein change: p.Ser155fs; shifts the reading frame from serine 155.
Molecular consequence: frameshift variant.
Genome position (GRCh38, 1-based): chr15:65,077,270-65,077,277, TGCGGCCC duplicated; duplicating any 8 consecutive bases within chr15:65,077,263-65,077,277 gives the same sequence; the c. name uses the placement nearest the transcript's 3' end. VCF-style (leftmost placement, unchanged base first): chr15-65077262-G-GGCGGCCCT. GRCh37 (hg19) VCF-style: chr15-65369600-G-GGCGGCCCT.
Other names: c.455_462dupTGCGGCCC (NM_001101362.3); short protein forms S155fs.
Identifiers: ClinVar variation 3719038 (VCV003719038.3).